The following is an entry in ClinVar:

NM_001267550.2(TTN):c.8442del (p.Phe2814fs)

Gene: TTN (titin; minus strand). Cytogenetic location: 2q31.2.
Variant type: Deletion.
Coding change: c.8442del on transcript NM_001267550.2 (MANE Select); coding-DNA position 8442, one base deleted (T; older notation c.8442delT).
Protein change: p.Phe2814fs; shifts the reading frame from phenylalanine 2814.
Molecular consequence: frameshift variant.
Genome position (GRCh38, 1-based): chr2:178,770,259, A deleted on the plus strand (T on the coding strand, the reverse complement: TTN is on the minus strand); the first of 3 consecutive A bases (chr2:178,770,259-178,770,261); deleting any one gives the same sequence. VCF-style (leftmost placement, unchanged base first): chr2-178770258-CA-C. GRCh37 (hg19) VCF-style: chr2-179634985-CA-C.
Other names: c.8442del, p.Phe2814fs (NM_001256850.1, NM_133378.4, NM_133379.5); c.8304del, p.Phe2768fs (NM_003319.4, NM_133432.3, NM_133437.4); c.8304delT (NM_003319.4); short protein forms F2814fs, F2768fs.
Identifiers: ClinVar variation 1762850 (VCV001762850.2), dbSNP rs2532489689, ClinGen allele CA2577174713.

ClinVar aggregate classification (germline): Likely pathogenic (1 of 4 stars; one submission).

Conditions:
Cardiovascular phenotype. Identifiers: MedGen CN230736.

Submission:

Ambry Genetics
Classification: Likely pathogenic for Cardiovascular phenotype. Last evaluated: 2019-07-16. Review status: criteria provided, single submitter. Criteria: Ambry Variant Classification Scheme 2023. Collection method: clinical testing. Allele origin: germline.
Comment: The c.8304delT variant, located in coding exon 34 of the TTN gene, results from a deletion of one nucleotide at nucleotide position 8304, causing a translational frameshift with a predicted alternate stop codon (p.F2768Lfs*12). This exon is located in the I-band region of the N2-B isoform of the titin protein and is constitutively expressed in TTN transcripts (percent spliced in or PSI 100%). This alteration is expected to result in loss of function by premature protein truncation or nonsense-mediated mRNA decay. While truncating variants in TTN are present in 1-3% of the general population, truncating variants in the A-band are the most common cause of dilated cardiomyopathy (DCM) (Herman DS et al. N. Engl. J. Med., 2012 Feb;366:619-28; Roberts AM et al. Sci Transl Med, 2015 Jan;7:270ra6). TTN truncating variants encoded in constitutive exons (PSI >90%) have been found to be significantly associated with DCM regardless of their position in titin (Schafer S et al. Nat. Genet., 2017 01;49:46-53). As such, this alteration is classified as likely pathogenic.